The following is an entry in ClinVar:

NM_005609.4(PYGM):c.661-464G>T

Gene: PYGM (glycogen phosphorylase, muscle associated; minus strand). Cytogenetic location: 11q13.1.
Variant type: single nucleotide variant.
Coding change: c.661-464G>T on transcript NM_005609.4 (MANE Select); 464 bases into the intron before coding-DNA position 661, G replaced by T.
Molecular consequence: intron variant.
Genome position (GRCh38, 1-based): chr11:64,756,022, C>A on the plus strand (G>T on the coding strand, the complement: PYGM is on the minus strand). VCF-style: chr11-64756022-C-A. GRCh37 (hg19) VCF-style: chr11-64523494-C-A.
Other names: c.397-464G>T (NM_001164716.1).
Identifiers: ClinVar variation 680726 (VCV000680726.1), dbSNP rs547066, ClinGen allele CA15690184.

ClinVar aggregate classification (germline): Benign (1 of 4 stars; one submission).

Allele frequency attached by ClinVar (database versions not stated): gnomAD 0.09765; TOPMed 0.11011; 1000 Genomes Project 30x 0.15865; 1000 Genomes Project 0.16134.
gnomAD v4.1: 15,794 of 152,282 alleles (10%); highest among the groups gnomAD compares: East Asian, 35%; 1,293 homozygotes.

Submission:

GeneDx
Classification: Benign. Last evaluated: 2018-06-19. Review status: criteria provided, single submitter. Criteria: GeneDx Variant Classification (06012015). Collection method: clinical testing. Allele origin: germline. Affected: yes.
Comment: This variant is considered likely benign or benign based on one or more of the following criteria: it is a conservative change, it occurs at a poorly conserved position in the protein, it is predicted to be benign by multiple in silico algorithms, and/or has population frequency not consistent with disease.